The following is an entry in ClinVar:

ClinVar aggregate classification (germline): Uncertain significance (1 of 4 stars; one submission).

Conditions:
Hypertrophic cardiomyopathy. Also called: HYPERTROPHIC MYOCARDIOPATHY. Identifiers: Orphanet 217569, MedGen C0007194, MeSH D002312, MONDO:0005045, HP:0001639.

Submission:

All of Us Research Program, National Institutes of Health
Classification: Uncertain significance for Hypertrophic cardiomyopathy. Last evaluated: 2023-08-15. Review status: criteria provided, single submitter. Criteria: ACMG Guidelines, 2015. Collection method: clinical testing. Allele origin: germline. Inheritance: Autosomal dominant inheritance. Observed: 1 variant allele, 1 heterozygote.
Comment: This study involves interpretation of variants in research participants for the purpose of population health screening. Participant phenotype was not available at the time of variant classification. Additional details can be found in publication PMID: 35346344, PMCID: PMC8962531

NM_016203.4(PRKAG2):c.1051_1051+1dup

Gene: PRKAG2 (protein kinase AMP-activated non-catalytic subunit gamma 2; minus strand). Cytogenetic location: 7q36.1.
Variant type: Duplication.
Coding change: c.1051_1051+1dup on transcript NM_016203.4 (MANE Select); coding-DNA position 1051 through the canonical splice donor site of the intron after coding-DNA position 1051, 2 bases duplicated (GG; older notation c.1051_1051+1dupGG).
Molecular consequence: splice donor variant.
Genome position (GRCh38, 1-based): chr7:151,572,663-151,572,664, CC duplicated on the plus strand (GG on the coding strand, the reverse complement: PRKAG2 is on the minus strand); duplicating any 2 consecutive bases within chr7:151,572,663-151,572,666 gives the same sequence; the c. name uses the placement nearest the transcript's 3' end. VCF-style (leftmost placement, unchanged base first): chr7-151572662-A-ACC. GRCh37 (hg19) VCF-style: chr7-151269748-A-ACC.
Other names: c.760_760+1dup (NM_001407031.1); c.763_763+1dup (NM_001407030.1); c.1048_1048+1dup (NM_001407023.1, NM_001407022.1); c.1051_1051+1dup (NM_001407021.1); c.733_733+1dup (NM_001407032.1); c.916_916+1dup (NM_001407026.1, NM_001407027.1); c.919_919+1dup (NM_001040633.2, NM_001407024.1); c.727_727+1dup (NM_001407033.1); and 6 more.
Identifiers: ClinVar variation 3072823 (VCV003072823.1), dbSNP rs2536368404, ClinGen allele CA2825001562.